The following is an entry in ClinVar:

ClinVar aggregate classification (germline): Uncertain significance (1 of 4 stars; one submission).

Conditions:
Inborn genetic diseases. Identifiers: MedGen C0950123, MeSH D030342.

gnomAD v4.1: 2 of 1,613,986 alleles (0.00012%); highest among the groups gnomAD compares: African/African-American, 0.0013%; no homozygotes.

Submission:

Ambry Genetics
Classification: Uncertain significance for Inborn genetic diseases. Last evaluated: 2024-12-26. Review status: criteria provided, single submitter. Criteria: Ambry Variant Classification Scheme 2023. Collection method: clinical testing. Allele origin: germline.
Comment: The p.L506V variant (also known as c.1516C>G), located in coding exon 16 of the FANCA gene, results from a C to G substitution at nucleotide position 1516. The leucine at codon 506 is replaced by valine, an amino acid with highly similar properties. This amino acid position is conserved. In addition, the in silico prediction for this alteration is inconclusive. Based on the available evidence, the clinical significance of this variant remains unclear.

NM_000135.4(FANCA):c.1516C>G (p.Leu506Val)

Gene: FANCA (FA complementation group A; minus strand). Cytogenetic location: 16q24.3.
Variant type: single nucleotide variant.
Coding change: c.1516C>G on transcript NM_000135.4 (MANE Select); coding-DNA position 1516, C replaced by G.
Protein change: p.Leu506Val; replaces leucine 506 with valine.
Molecular consequence: missense variant.
Genome position (GRCh38, 1-based): chr16:89,783,057, G>C on the plus strand (C>G on the coding strand, the complement: FANCA is on the minus strand). VCF-style: chr16-89783057-G-C. GRCh37 (hg19) VCF-style: chr16-89849465-G-C.
Other names: c.1516C>G, p.Leu506Val (NM_001286167.3); short protein forms L506V.
Identifiers: ClinVar variation 3848059 (VCV003848059.1).